The following is an entry in ClinVar:

ClinVar aggregate classification (germline): Benign. Review status: criteria provided, multiple submitters, no conflicts (2 of 4 stars). 2 submissions from 2 submitters: Benign (2). Last evaluated 2024-07-15.

Submissions (2):

Unidad de Genómica Garrahan, Hospital de Pediatría Garrahan
Classification: Benign. Last evaluated: 2024-07-15. Review status: criteria provided, single submitter. Criteria: ACMG Guidelines, 2015. Collection method: clinical testing. Allele origin: germline. Affected: no. Observed: 79 variant alleles.
Comment: This variant is classified as Benign based on local population frequency. This variant was detected in 85% of patients studied in a panel designed for Epileptic and Developmental Encephalopathy and Progressive Myoclonus Epilepsy. Number of patients: 79. Only high quality variants are reported.

GeneDx
Classification: Benign. Last evaluated: 2019-08-10. Review status: criteria provided, single submitter. Criteria: GeneDx Variant Classification Process June 2021. Collection method: clinical testing. Allele origin: germline. Affected: yes.

NM_000092.5(COL4A4):c.870+29del

Gene: COL4A4 (collagen type IV alpha 4 chain; minus strand). Cytogenetic location: 2q36.3.
Variant type: Deletion.
Coding change: c.870+29del on transcript NM_000092.5 (MANE Select); 29 bases into the intron after coding-DNA position 870, one base deleted (T; older notation c.870+29delT).
Molecular consequence: intron variant.
Genome position (GRCh38, 1-based): chr2:227,103,115, A deleted on the plus strand (T on the coding strand, the reverse complement: COL4A4 is on the minus strand); the first of 11 consecutive A bases (chr2:227,103,115-227,103,125); deleting any one gives the same sequence. VCF-style (leftmost placement, unchanged base first): chr2-227103114-GA-G. GRCh37 (hg19) VCF-style: chr2-227967830-GA-G.
Identifiers: ClinVar variation 1283209 (VCV001283209.3), dbSNP rs10707643, ClinGen allele CA2145386.